The following is an entry in ClinVar:

ClinVar aggregate classification (germline): Uncertain significance (1 of 4 stars; one submission).

Submission:

GeneDx
Classification: Uncertain significance. Last evaluated: 2024-09-19. Review status: criteria provided, single submitter. Criteria: GeneDx Variant Classification Process June 2021. Collection method: clinical testing. Allele origin: germline. Affected: yes.
Comment: Not observed at significant frequency in large population cohorts (gnomAD); In silico analysis supports that this missense variant has a deleterious effect on protein structure/function; Has not been previously published as pathogenic or benign to our knowledge

NM_000142.5(FGFR3):c.1346C>G (p.Pro449Arg)

Gene: FGFR3 (fibroblast growth factor receptor 3; plus strand). Cytogenetic location: 4p16.3.
Variant type: single nucleotide variant.
Coding change: c.1346C>G on transcript NM_000142.5 (MANE Select); coding-DNA position 1346, C replaced by G.
Protein change: p.Pro449Arg; replaces proline 449 with arginine.
Molecular consequence: missense variant. On other transcripts: non-coding transcript variant (1).
Genome position (GRCh38, 1-based): chr4:1,804,903, C>G. VCF-style: chr4-1804903-C-G. GRCh37 (hg19) VCF-style: chr4-1806630-C-G.
Other names: c.1352C>G, p.Pro451Arg (NM_001163213.2); c.1349C>G, p.Pro450Arg (NM_001354809.2, NM_001354810.2); c.1010C>G, p.Pro337Arg (NM_022965.4); short protein forms P337R, P449R, P450R, P451R.
Identifiers: ClinVar variation 3774008 (VCV003774008.1).